The following is an entry in ClinVar:

NM_030777.4(SLC2A10):c.315C>T (p.Arg105=)

Gene: SLC2A10 (solute carrier family 2 member 10; plus strand). Cytogenetic location: 20q13.12.
Variant type: single nucleotide variant.
Coding change: c.315C>T on transcript NM_030777.4 (MANE Select); coding-DNA position 315, C replaced by T.
Protein change: p.Arg105=; no amino-acid change (arginine 105 retained).
Molecular consequence: synonymous variant.
Genome position (GRCh38, 1-based): chr20:46,725,351, C>T. VCF-style: chr20-46725351-C-T. GRCh37 (hg19) VCF-style: chr20-45353990-C-T.
Identifiers: ClinVar variation 263815 (VCV000263815.50), dbSNP rs150800734, ClinGen allele CA9891953.
Genomic context (GRCh38, chr20:46,725,351, plus strand): 5'-GCTGGCAGGCAGCCTGACCCTGGGCCTGGCTGGTTCCCTGGCCTGGCTGGTCCTGGGCCG[C>T]GCTGTGGTTGGCTTCGCCATTTCCCTCTCCTCCATGGCTTGCTGTATCTACGTGTCAGAG-3'
Protein context (NP_110404.1, residues 95-115): AGSLAWLVLG[Arg105=]AVVGFAISLS

ClinVar aggregate classification (germline): Likely benign. Review status: criteria provided, multiple submitters, no conflicts (2 of 4 stars). 7 submissions from 7 submitters: Likely benign (7). Last evaluated 2026-01-27.

Conditions:
Familial thoracic aortic aneurysm and aortic dissection (TAAD). Also called: Thoracic aortic aneurysms and dissections. Identifiers: Orphanet 91387, MedGen C4707243, MONDO:0019625.
Arterial tortuosity syndrome (ATORS). Identifiers: Orphanet 3342, MedGen C1859726, MONDO:0008818, OMIM 208050.

Allele frequency attached by ClinVar (database versions not stated): gnomAD 0.00015; 1000 Genomes Project 30x 0.00016; gnomAD exomes 0.00017 and 0.00024; ExAC 0.00019; TOPMed 0.00019; 1000 Genomes Project 0.00020; ESP Exome Variant Server 0.00023.
gnomAD v4.1: 273 of 1,614,102 alleles (0.017%); highest among the groups gnomAD compares: Middle Eastern, 0.21%; 1 homozygote.

Submissions (7):

Labcorp Genetics (formerly Invitae), Labcorp
Classification: Likely benign for Arterial tortuosity syndrome. Last evaluated: 2026-01-27. Review status: criteria provided, single submitter. Criteria: Invitae Variant Classification Sherloc (09022015). Collection method: clinical testing. Allele origin: germline.

Blueprint Genetics
Classification: Likely benign. Last evaluated: 2024-10-31. Review status: criteria provided, single submitter. Criteria: ACMG Guidelines, 2015. Collection method: clinical testing. Allele origin: germline.

Ambry Genetics
Classification: Likely benign for Familial thoracic aortic aneurysm and aortic dissection. Last evaluated: 2024-07-08. Review status: criteria provided, single submitter. Criteria: Ambry Variant Classification Scheme 2023. Collection method: clinical testing. Allele origin: germline.

Women's Health and Genetics/Laboratory Corporation of America, LabCorp
Classification: Likely benign. Last evaluated: 2024-03-17. Review status: criteria provided, single submitter. Criteria: LabCorp Variant Classification Summary - May 2015. Collection method: clinical testing. Allele origin: germline.

CeGaT Center for Human Genetics Tuebingen
Classification: Likely benign. Last evaluated: 2023-02-01. Review status: criteria provided, single submitter. Criteria: CeGaT Center For Human Genetics Tuebingen Variant Classification Criteria Version 2. Collection method: clinical testing. Allele origin: germline. Affected: yes. Observed: 2 variant alleles.
Comment: SLC2A10: BP4, BP7

GeneDx
Classification: Likely benign. Last evaluated: 2019-08-26. Review status: criteria provided, single submitter. Criteria: GeneDx Variant Classification Process June 2021. Collection method: clinical testing. Allele origin: germline. Affected: yes.

Breakthrough Genomics
Classification: Likely benign. Review status: criteria provided, single submitter. Criteria: ACMG Guidelines, 2015. Collection method: not provided. Allele origin: germline. Inheritance: Autosomal recessive inheritance. Affected: yes.